The following is an entry in ClinVar:

NM_012064.4(MIP):c.*615A>G

Gene: MIP (major intrinsic protein of lens fiber; minus strand). Cytogenetic location: 12q13.3.
Variant type: single nucleotide variant.
Coding change: c.*615A>G on transcript NM_012064.4 (MANE Select); 615 bases downstream of the stop codon, A replaced by G.
Molecular consequence: 3 prime UTR variant.
Genome position (GRCh38, 1-based): chr12:56,450,665, T>C on the plus strand (A>G on the coding strand, the complement: MIP is on the minus strand). VCF-style: chr12-56450665-T-C. GRCh37 (hg19) VCF-style: chr12-56844449-T-C.
Identifiers: ClinVar variation 309873 (VCV000309873.6), dbSNP rs17118657, ClinGen allele CA10633323.

ClinVar aggregate classification (germline): Benign. Review status: criteria provided, multiple submitters, no conflicts (2 of 4 stars). 2 submissions from 2 submitters: Benign (2). Last evaluated 2017-04-28.

Conditions:
Cataract 15 multiple types. Also called: CATARACT 15, LAMELLAR WITH SUTURAL OPACITIES. Identifiers: Orphanet 91492, MedGen C3809001, MONDO:0014110, OMIM 615274.

Allele frequency attached by ClinVar (database versions not stated): gnomAD exomes 0.00257; gnomAD 0.04493 and 0.04797; TOPMed 0.05080; 1000 Genomes Project 0.05192; 1000 Genomes Project 30x 0.05340.
gnomAD v4.1: 6,778 of 153,032 alleles (4.4%); highest among the groups gnomAD compares: African/African-American, 15%; 492 homozygotes.

Submissions (2):

Illumina Laboratory Services, Illumina
Classification: Benign for Cataract 15 multiple types. Last evaluated: 2017-04-28. Review status: criteria provided, single submitter. Criteria: ICSL Variant Classification Criteria 13 December 2019. Collection method: clinical testing. Allele origin: germline.
Comment: This variant was observed as part of a predisposition screen in an ostensibly healthy population. A literature search was performed for the gene, cDNA change, and amino acid change (where applicable). No publications were found based on this search. Allele frequency data from public databases was too high to be consistent with this variant causing disease. Therefore, this variant is classified as benign.

Breakthrough Genomics
Classification: Benign. Review status: criteria provided, single submitter. Criteria: ACMG Guidelines, 2015. Collection method: not provided. Allele origin: germline. Inheritance: Autosomal dominant inheritance. Affected: yes.